The following is an entry in ClinVar:

NM_024817.3(THSD4):c.2036+7A>G

Gene: THSD4 (thrombospondin type 1 domain containing 4; plus strand). Cytogenetic location: 15q23.
Variant type: single nucleotide variant.
Coding change: c.2036+7A>G on transcript NM_024817.3 (MANE Select); 7 bases into the intron after coding-DNA position 2036, A replaced by G.
Molecular consequence: intron variant.
Genome position (GRCh38, 1-based): chr15:71,745,242, A>G. VCF-style: chr15-71745242-A-G. GRCh37 (hg19) VCF-style: chr15-72037581-A-G.
Other names: c.2036+7A>G (NM_001394532.1); c.956+7A>G (NM_001286429.2).
Identifiers: ClinVar variation 2645503 (VCV002645503.24), dbSNP rs1288006880, ClinGen allele CA618740838.

ClinVar aggregate classification (germline): Uncertain significance (1 of 4 stars; one submission).

Allele frequency attached by ClinVar (database versions not stated): gnomAD exomes below 0.00001; TOPMed below 0.00001.
gnomAD v4.1: 5 of 1,613,760 alleles (0.00031%); highest among the groups gnomAD compares: Non-Finnish European, 0.00034%; no homozygotes.

Submission:

CeGaT Center for Human Genetics Tuebingen
Classification: Uncertain significance. Last evaluated: 2023-10-01. Review status: criteria provided, single submitter. Criteria: CeGaT Center For Human Genetics Tuebingen Variant Classification Criteria Version 2. Collection method: clinical testing. Allele origin: germline. Affected: yes. Observed: 1 variant allele.
Comment: THSD4: PM2, BP4